The following is an entry in ClinVar:

NM_001004063.3(OR4K1):c.603G>A (p.Thr201=)

Gene: OR4K1 (olfactory receptor family 4 subfamily K member 1; plus strand). Cytogenetic location: 14q11.2.
Variant type: single nucleotide variant.
Coding change: c.603G>A on transcript NM_001004063.3 (MANE Select); coding-DNA position 603, G replaced by A.
Protein change: p.Thr201=; no amino-acid change (threonine 201 retained).
Molecular consequence: synonymous variant.
Genome position (GRCh38, 1-based): chr14:19,936,269, G>A. VCF-style: chr14-19936269-G-A. GRCh37 (hg19) VCF-style: chr14-20404428-G-A.
Identifiers: ClinVar variation 2644038 (VCV002644038.24), dbSNP rs149331677, ClinGen allele CA7074423.

ClinVar aggregate classification (germline): Likely benign (1 of 4 stars; one submission).

Allele frequency attached by ClinVar (database versions not stated): ExAC 0.00287; ESP Exome Variant Server 0.00231; 1000 Genomes Project 0.00100; 1000 Genomes Project 30x 0.00109; gnomAD 0.00226.
gnomAD v4.1: 4,439 of 1,613,688 alleles (0.28%); highest among the groups gnomAD compares: Non-Finnish European, 0.33%; 6 homozygotes.

Submission:

CeGaT Center for Human Genetics Tuebingen
Classification: Likely benign. Last evaluated: 2023-04-01. Review status: criteria provided, single submitter. Criteria: CeGaT Center For Human Genetics Tuebingen Variant Classification Criteria Version 2. Collection method: clinical testing. Allele origin: germline. Affected: yes. Observed: 1 variant allele.
Comment: OR4K1: BP4, BP7